The following is an entry in ClinVar:

NM_020884.7(MYH7B):c.4540+1G>A

Gene: MYH7B (myosin heavy chain 7B; plus strand). Cytogenetic location: 20q11.22.
Variant type: single nucleotide variant.
Coding change: c.4540+1G>A on transcript NM_020884.7 (MANE Select); the canonical splice donor site of the intron after coding-DNA position 4540, G replaced by A.
Molecular consequence: splice donor variant.
Genome position (GRCh38, 1-based): chr20:34,999,406, G>A. VCF-style: chr20-34999406-G-A. GRCh37 (hg19) VCF-style: chr20-33587209-G-A.
Identifiers: ClinVar variation 4782061 (VCV004782061.1).

ClinVar aggregate classification (germline): Uncertain significance (1 of 4 stars; one submission).

gnomAD v4.1: 86 of 1,511,140 alleles (0.0057%); highest among the groups gnomAD compares: Non-Finnish European, 0.0073%; no homozygotes.

Submission:

Labcorp Genetics (formerly Invitae), Labcorp
Classification: Uncertain significance. Last evaluated: 2025-10-23. Review status: criteria provided, single submitter. Criteria: Invitae Variant Classification Sherloc (09022015). Collection method: clinical testing. Allele origin: germline.
Comment: This sequence change affects a donor splice site in intron 36 of the MYH7B gene. It is expected to disrupt RNA splicing. Variants that disrupt the donor or acceptor splice site typically lead to a loss of protein function (PMID: 16199547), however the current clinical and genetic evidence is not sufficient to establish whether loss-of-function variants in MYH7B cause disease. This variant is present in population databases (rs774768355, gnomAD 0.007%). This variant has not been reported in the literature in individuals affected with MYH7B-related conditions. Algorithms developed to predict the effect of sequence changes on RNA splicing suggest that this variant may disrupt the consensus splice site. In summary, the available evidence is currently insufficient to determine the role of this variant in disease. Therefore, it has been classified as a Variant of Uncertain Significance.

Literature cited by the submitters: PubMed 16199547.